The following is an entry in ClinVar:

ClinVar aggregate classification (germline): Uncertain significance (1 of 4 stars; one submission).

Conditions:
Hereditary cancer-predisposing syndrome. Also called: Neoplastic Syndromes, Hereditary; Tumor predisposition; Hereditary Cancer Syndrome; Hereditary neoplastic syndrome. Identifiers: Orphanet 140162, MedGen C0027672, MeSH D009386, MONDO:0015356.

Submission:

Ambry Genetics
Classification: Uncertain significance for Hereditary cancer-predisposing syndrome. Last evaluated: 2025-09-20. Review status: criteria provided, single submitter. Criteria: Ambry Variant Classification Scheme 2023. Collection method: clinical testing. Allele origin: germline.
Comment: The p.M39R variant (also known as c.116T>G), located in coding exon 1 of the MET gene, results from a T to G substitution at nucleotide position 116. The methionine at codon 39 is replaced by arginine, an amino acid with similar properties. This amino acid position is conserved. In addition, this alteration is predicted to be tolerated by in silico analysis. Based on the available evidence, the clinical significance of this variant remains unclear.

NM_000245.4(MET):c.116T>G (p.Met39Arg)

Gene: MET (MET proto-oncogene, receptor tyrosine kinase; plus strand). Cytogenetic location: 7q31.2.
Variant type: single nucleotide variant.
Coding change: c.116T>G on transcript NM_000245.4 (MANE Select); coding-DNA position 116, T replaced by G.
Protein change: p.Met39Arg; replaces methionine 39 with arginine.
Molecular consequence: missense variant. On other transcripts: intron variant (1).
Genome position (GRCh38, 1-based): chr7:116,699,200, T>G. VCF-style: chr7-116699200-T-G. GRCh37 (hg19) VCF-style: chr7-116339254-T-G.
Other names: c.116T>G, p.Met39Arg (NM_001127500.3, NM_001324401.3); c.-91+26623T>G (NM_001324402.2); short protein forms M39R.
Identifiers: ClinVar variation 4647529 (VCV004647529.1).
Genomic context (GRCh38, chr7:116,699,200, plus strand): 5'-TGCAGAGGAGCAATGGGGAGTGTAAAGAGGCACTAGCAAAGTCCGAGATGAATGTGAATA[T>G]GAAGTATCAGCTTCCCAACTTCACCGCGGAAACACCCATCCAGAATGTCATTCTACATGA-3'
Protein context (NP_000236.2, residues 29-49): ALAKSEMNVN[Met39Arg]KYQLPNFTAE